The following is an entry in ClinVar:

NM_020163.3(SEMA3G):c.2205G>A (p.Thr735=)

Gene: SEMA3G (semaphorin 3G; minus strand). Cytogenetic location: 3p21.1.
Variant type: single nucleotide variant.
Coding change: c.2205G>A on transcript NM_020163.3 (MANE Select); coding-DNA position 2205, G replaced by A.
Protein change: p.Thr735=; no amino-acid change (threonine 735 retained).
Molecular consequence: synonymous variant.
Genome position (GRCh38, 1-based): chr3:52,435,747, C>T on the plus strand (G>A on the coding strand, the complement: SEMA3G is on the minus strand). VCF-style: chr3-52435747-C-T. GRCh37 (hg19) VCF-style: chr3-52469763-C-T.
Identifiers: ClinVar variation 3037153 (VCV003037153.2), dbSNP rs144173935, ClinGen allele CA2437689.

ClinVar aggregate classification (germline): Likely benign (0 of 4 stars; one submission).

Conditions:
SEMA3G-related disorder. Also called: SEMA3G-related condition.

Allele frequency attached by ClinVar (database versions not stated): ExAC 0.00002; TOPMed 0.00006; gnomAD 0.00008; ESP Exome Variant Server 0.00015.
gnomAD v4.1: 142 of 1,613,974 alleles (0.0088%); highest among the groups gnomAD compares: African/African-American, 0.021%; no homozygotes.

Submission:

PreventionGenetics, part of Exact Sciences
Classification: Likely benign for SEMA3G-related condition. Last evaluated: 2021-08-18. Review status: no assertion criteria provided. Collection method: clinical testing. Allele origin: germline.
Comment: This variant is classified as likely benign based on ACMG/AMP sequence variant interpretation guidelines (Richards et al. 2015 PMID: 25741868, with internal and published modifications).